The following is an entry in ClinVar:

NM_001110556.2(FLNA):c.5545A>G (p.Met1849Val)

Gene: FLNA (filamin A; minus strand). Cytogenetic location: Xq28.
Variant type: single nucleotide variant.
Coding change: c.5545A>G on transcript NM_001110556.2 (MANE Select); coding-DNA position 5545, A replaced by G.
Protein change: p.Met1849Val; replaces methionine 1849 with valine.
Molecular consequence: missense variant.
Genome position (GRCh38, 1-based): chrX:154,354,163, T>C on the plus strand (A>G on the coding strand, the complement: FLNA is on the minus strand). VCF-style: chrX-154354163-T-C. GRCh37 (hg19) VCF-style: chrX-153582531-T-C.
Other names: c.5545A>G (NM_001110556.1); c.5521A>G, p.Met1841Val (NM_001456.4); short protein forms M1841V, M1849V.
Identifiers: ClinVar variation 1446820 (VCV001446820.8), dbSNP rs2148106450, ClinGen allele CA415203729.

ClinVar aggregate classification (germline): Uncertain significance. Review status: criteria provided, multiple submitters, no conflicts (2 of 4 stars). 2 submissions from 2 submitters: Uncertain significance (2). Last evaluated 2024-10-24.

Conditions:
FLNA-related disorder.
Melnick-Needles syndrome (MNS). Also called: MELNICK-NEEDLES OSTEODYSPLASTY; Melnick-Needles Syndrome (FLNA-MNS); OSTEODYSPLASTY OF MELNICK AND NEEDLES. Identifiers: Orphanet 2484, MedGen C0025237, MONDO:0010650, OMIM 309350.
Frontometaphyseal dysplasia (FMD1). Identifiers: Orphanet 1826, MedGen C0265293, MONDO:0015942.
Heterotopia, periventricular, X-linked dominant (PVNH1). Also called: PERIVENTRICULAR NODULAR HETEROTOPIA 1; X-linked periventricular heterotopia; PERIVENTRICULAR NODULAR HETEROTOPIA 4; HETEROTOPIA, PERIVENTRICULAR, 1. Identifiers: Orphanet 2149, Orphanet 82004, MedGen C1848213, MONDO:0010233, OMIM 300049.
Oto-palato-digital syndrome, type II (OPD2). Also called: FACIOPALATOOSSEOUS SYNDROME; Otopalatodigital Syndrome Type 2 (FLNA-OPD2); OPD II SYNDROME; Otopalatodigital Syndrome, Type II. Identifiers: Orphanet 669, Orphanet 90652, MedGen C1844696, MONDO:0010571, OMIM 304120.

Submissions (2):

Labcorp Genetics (formerly Invitae), Labcorp
Classification: Uncertain significance for Oto-palato-digital syndrome, type II; Heterotopia, periventricular, X-linked dominant; Frontometaphyseal dysplasia; Melnick-Needles syndrome. Last evaluated: 2024-10-24. Review status: criteria provided, single submitter. Criteria: Invitae Variant Classification Sherloc (09022015). Collection method: clinical testing. Allele origin: germline.
Comment: This sequence change replaces methionine, which is neutral and non-polar, with valine, which is neutral and non-polar, at codon 1841 of the FLNA protein (p.Met1841Val). This variant is not present in population databases (gnomAD no frequency). This variant has not been reported in the literature in individuals affected with FLNA-related conditions. ClinVar contains an entry for this variant (Variation ID: 1446820). Invitae Evidence Modeling of protein sequence and biophysical properties (such as structural, functional, and spatial information, amino acid conservation, physicochemical variation, residue mobility, and thermodynamic stability) indicates that this missense variant is not expected to disrupt FLNA protein function with a negative predictive value of 95%. In summary, the available evidence is currently insufficient to determine the role of this variant in disease. Therefore, it has been classified as a Variant of Uncertain Significance.

PreventionGenetics, part of Exact Sciences
Classification: Uncertain significance for FLNA-related condition. Last evaluated: 2023-02-17. Review status: criteria provided, single submitter. Criteria: ACMG Guidelines, 2015. Collection method: clinical testing. Allele origin: germline.
Comment: The FLNA c.5545A>G variant is predicted to result in the amino acid substitution p.Met1849Val. To our knowledge, this variant has not been reported in the literature or in a large population database, indicating this variant is rare. At this time, the clinical significance of this variant is uncertain due to the absence of conclusive functional and genetic evidence.